The following is an entry in ClinVar:

NM_017654.4(SAMD9):c.443A>G (p.Asp148Gly)

Gene: SAMD9 (sterile alpha motif domain containing 9; minus strand). Cytogenetic location: 7q21.2.
Variant type: single nucleotide variant.
Coding change: c.443A>G on transcript NM_017654.4 (MANE Select); coding-DNA position 443, A replaced by G.
Protein change: p.Asp148Gly; replaces aspartic acid 148 with glycine.
Molecular consequence: missense variant.
Genome position (GRCh38, 1-based): chr7:93,105,655, T>C on the plus strand (A>G on the coding strand, the complement: SAMD9 is on the minus strand). VCF-style: chr7-93105655-T-C. GRCh37 (hg19) VCF-style: chr7-92734968-T-C.
Other names: c.443A>G, p.Asp148Gly (NM_001193307.2); short protein forms D148G.
Identifiers: ClinVar variation 1927062 (VCV001927062.5), dbSNP rs780265493, ClinGen allele CA4343146.

ClinVar aggregate classification (germline): Uncertain significance (1 of 4 stars; one submission).

Allele frequency attached by ClinVar (database versions not stated): gnomAD exomes below 0.00001; TOPMed 0.00001; ExAC 0.00002.

Submission:

Labcorp Genetics (formerly Invitae), Labcorp
Classification: Uncertain significance. Last evaluated: 2025-04-09. Review status: criteria provided, single submitter. Criteria: Invitae Variant Classification Sherloc (09022015). Collection method: clinical testing. Allele origin: germline.
Comment: This sequence change replaces aspartic acid, which is acidic and polar, with glycine, which is neutral and non-polar, at codon 148 of the SAMD9 protein (p.Asp148Gly). This variant is present in population databases (rs780265493, gnomAD 0.01%). This variant has not been reported in the literature in individuals affected with SAMD9-related conditions. ClinVar contains an entry for this variant (Variation ID: 1927062). Invitae Evidence Modeling of protein sequence and biophysical properties (such as structural, functional, and spatial information, amino acid conservation, physicochemical variation, residue mobility, and thermodynamic stability) indicates that this missense variant is not expected to disrupt SAMD9 protein function with a negative predictive value of 95%. In summary, the available evidence is currently insufficient to determine the role of this variant in disease. Therefore, it has been classified as a Variant of Uncertain Significance.